The following is an entry in ClinVar:

ClinVar aggregate classification (germline): Uncertain significance (1 of 4 stars; one submission).

Allele frequency attached by ClinVar (database versions not stated): gnomAD 0.00001; TOPMed 0.00001.
gnomAD v4.1: 1 of 1,550,256 alleles (0.000065%); highest among the groups gnomAD compares: African/African-American, 0.0014%; no homozygotes.

Submission:

Labcorp Genetics (formerly Invitae), Labcorp
Classification: Uncertain significance. Last evaluated: 2021-05-10. Review status: criteria provided, single submitter. Criteria: Invitae Variant Classification Sherloc (09022015). Collection method: clinical testing. Allele origin: germline.
Comment: This variant has not been reported in the literature in individuals with UNC80-related conditions. This variant is not present in population databases (ExAC no frequency). This sequence change falls in intron 16 of the UNC80 gene. It does not directly change the encoded amino acid sequence of the UNC80 protein. It affects a nucleotide within the consensus splice site of the intron. Nucleotide substitutions within the consensus splice site are a relatively common cause of aberrant splicing (PMID: 17576681, 9536098). Algorithms developed to predict the effect of sequence changes on RNA splicing suggest that this variant is not likely to affect RNA splicing, but this prediction has not been confirmed by published transcriptional studies. In summary, the available evidence is currently insufficient to determine the role of this variant in disease. Therefore, it has been classified as a Variant of Uncertain Significance.

Literature cited by the submitters: PubMed 17576681; PubMed 9536098.

NM_001371986.1(UNC80):c.2776-3C>T

Gene: UNC80 (unc-80 subunit of NALCN channel complex; plus strand). Cytogenetic location: 2q34.
Variant type: single nucleotide variant.
Coding change: c.2776-3C>T on transcript NM_001371986.1 (MANE Select); 3 bases into the intron before coding-DNA position 2776, C replaced by T.
Molecular consequence: intron variant.
Genome position (GRCh38, 1-based): chr2:209,833,999, C>T. VCF-style: chr2-209833999-C-T. GRCh37 (hg19) VCF-style: chr2-210698723-C-T.
Other names: c.2776-3C>T (NM_032504.2); c.2761-3C>T (NM_182587.4).
Identifiers: ClinVar variation 1394537 (VCV001394537.6), dbSNP rs1355480465, ClinGen allele CA764103159.